The following is an entry in ClinVar:

NM_052947.4(ALPK2):c.5069C>T (p.Ser1690Phe)

Genes: ALPK2 (alpha kinase 2; minus strand), LOC130062577 (ATAC-STARR-seq lymphoblastoid active region 13389; plus strand). Cytogenetic location: 18q21.31.
Variant type: single nucleotide variant.
Coding change: c.5069C>T on transcript NM_052947.4 (MANE Select); coding-DNA position 5069, C replaced by T.
Protein change: p.Ser1690Phe; replaces serine 1690 with phenylalanine.
Molecular consequence: missense variant.
Genome position (GRCh38, 1-based): chr18:58,535,118, G>A on the plus strand (C>T on the coding strand, the complement: ALPK2 is on the minus strand). VCF-style: chr18-58535118-G-A. GRCh37 (hg19) VCF-style: chr18-56202350-G-A.
Other names: short protein forms S1690F.
Identifiers: ClinVar variation 1745138 (VCV001745138.2), dbSNP rs1467961182, ClinGen allele CA402558401.

ClinVar aggregate classification (germline): Uncertain significance (1 of 4 stars; one submission).

Allele frequency attached by ClinVar (database versions not stated): gnomAD exomes below 0.00001; gnomAD 0.00001; TOPMed 0.00001.
gnomAD v4.1: 2 of 1,613,930 alleles (0.00012%); highest among the groups gnomAD compares: African/African-American, 0.0027%; no homozygotes.

Submission:

Ambry Genetics
Classification: Uncertain significance. Last evaluated: 2024-01-30. Review status: criteria provided, single submitter. Criteria: Ambry Variant Classification Scheme 2023. Collection method: clinical testing. Allele origin: germline.
Comment: The p.S1690F variant (also known as c.5069C>T), located in coding exon 4 of the ALPK2 gene, results from a C to T substitution at nucleotide position 5069. The serine at codon 1690 is replaced by phenylalanine, an amino acid with highly dissimilar properties. This amino acid position is conserved. In addition, this alteration is predicted to be tolerated by in silico analysis. Since supporting evidence is limited at this time, the clinical significance of this alteration remains unclear.